The following is an entry in ClinVar:

NM_002303.6(LEPR):c.3009G>T (p.Gly1003=)

Gene: LEPR (leptin receptor; plus strand). Cytogenetic location: 1p31.3.
Variant type: single nucleotide variant.
Coding change: c.3009G>T on transcript NM_002303.6 (MANE Select); coding-DNA position 3009, G replaced by T.
Protein change: p.Gly1003=; no amino-acid change (glycine 1003 retained).
Molecular consequence: synonymous variant.
Genome position (GRCh38, 1-based): chr1:65,636,526, G>T. VCF-style: chr1-65636526-G-T. GRCh37 (hg19) VCF-style: chr1-66102209-G-T.
Identifiers: ClinVar variation 4995669 (VCV004995669.1).
Genomic context (GRCh38, chr1:65,636,526, plus strand): 5'-TGTTAAATACGCCACGCTGATCAGCAACTCTAAACCAAGTGAAACTGGTGAAGAACAAGG[G>T]CTTATAAATAGTTCAGTCACCAAGTGCTTCTCTAGCAAAAATTCTCCGTTGAAGGATTCT-3'
Protein context (NP_002294.2, residues 993-1013): SKPSETGEEQ[Gly1003=]LINSSVTKCF

ClinVar aggregate classification (germline): Likely benign (1 of 4 stars; one submission).

Conditions:
LEPR-related disorder. Also called: LEPR-related condition; LEPR-related disorders.

Submission:

PreventionGenetics, part of Exact Sciences
Classification: Likely benign for LEPR-related condition. Last evaluated: 2025-12-17. Review status: criteria provided, single submitter. Criteria: ACMG Guidelines, 2015. Collection method: clinical testing. Allele origin: germline.
Comment: This variant is classified as likely benign based on ACMG/AMP sequence variant interpretation guidelines (Richards et al. 2015 PMID: 25741868, with internal and published modifications).